The following is an entry in ClinVar:

ClinVar aggregate classification (germline): Uncertain significance (1 of 4 stars; one submission).

Conditions:
Noonan syndrome 2 (NS2). Identifiers: Orphanet 648, MedGen C1854469, MONDO:0011531, OMIM 605275.
LZTR1-related schwannomatosis. Also called: Schwannomatosis-2, susceptibility to; Schwannomatosis 2. Identifiers: Orphanet 93921, MedGen C3810283, MONDO:0014299, OMIM 615670.
Noonan syndrome 10 (NS10). Identifiers: Orphanet 648, MedGen C4225280, MONDO:0014693, OMIM 616564.

Submission:

Juno Genomics, Hangzhou Juno Genomics, Inc
Classification: Uncertain significance for LZTR1-related schwannomatosis; Noonan syndrome 10; Noonan syndrome 2. Review status: criteria provided, single submitter. Criteria: ACMG Guidelines, 2015. Collection method: clinical testing. Allele origin: germline. Affected: yes.
Comment: Absent from controls (or at extremely low frequency if recessive) in Genome Aggregation Database, Exome Sequencing Project, 1000 Genomes Project, or Exome Aggregation Consortium.;Protein length changes due to in-frame deletions/insertions in a non-repeat region or stop-loss variants.;De novo (both maternity and paternity confirmed) in a patient with the disease and no family history.

NM_006767.4(LZTR1):c.1279_1284dup (p.Thr428_Leu429insCysThr)

Gene: LZTR1 (leucine zipper like post translational regulator 1; plus strand). Cytogenetic location: 22q11.21.
Variant type: Duplication.
Coding change: c.1279_1284dup on transcript NM_006767.4 (MANE Select); coding-DNA positions 1279 to 1284, 6 bases duplicated (TGCACG; older notation c.1279_1284dupTGCACG).
Protein change: p.Thr428_Leu429insCysThr.
Molecular consequence: inframe insertion.
Genome position (GRCh38, 1-based): chr22:20,993,680-20,993,685, TGCACG duplicated. VCF-style (leftmost placement, unchanged base first): chr22-20993679-A-ATGCACG. GRCh37 (hg19) VCF-style: chr22-21347968-A-ATGCACG.
Identifiers: ClinVar variation 3382741 (VCV003382741.2).
Genomic context (GRCh38, chr22:20,993,679, plus strand): 5'-CCTGCTGTCTGCAACATCTAGTCTCACTGGGCCCCTCTTGCAGTTCTCCTGTTACCCTAA[A>ATGCACG]TGCACGCTGCACGAGGACTACGGGCGGCTGTGGGAGAGCCGCCAGTTCTGCGACGTGGAG-3'